The following is an entry in ClinVar:

NM_207034.3(EDN3):c.*1G>T

Gene: EDN3 (endothelin 3; plus strand). Cytogenetic location: 20q13.32.
Variant type: single nucleotide variant.
Coding change: c.*1G>T on transcript NM_207034.3 (MANE Select); 1 bases downstream of the stop codon, G replaced by T.
Molecular consequence: 3 prime UTR variant.
Genome position (GRCh38, 1-based): chr20:59,324,460, G>T. VCF-style: chr20-59324460-G-T. GRCh37 (hg19) VCF-style: chr20-57899515-G-T.
Other names: c.*125G>T (NM_001302455.2); c.*93G>T (NM_001302456.2, NM_001424361.1, NM_207032.3); c.*1G>T (NM_001424362.1, NM_207033.3); c.*156G>T (NM_001424363.1).
Identifiers: ClinVar variation 3253083 (VCV003253083.1), dbSNP rs138451394.
Genomic context (GRCh38, chr20:59,324,460, plus strand): 5'-GGACTCGCCCTCGCTCCATCTACCTGCCCCCGCTGCCTCTTTCAGGAAGGAGCCCCTTAG[G>T]AGGACAGGCCTGCAGCATCCTGGTCTCGGGAGGCTTCTGTCATTGCTCACACACAGTTCA-3'

ClinVar aggregate classification (germline): Uncertain significance (1 of 4 stars; one submission).

Allele frequency attached by ClinVar (database versions not stated): ESP Exome Variant Server 0.00015; 1000 Genomes Project 30x 0.00016; 1000 Genomes Project 0.00020.
gnomAD v4.1: 32 of 1,613,968 alleles (0.002%); highest among the groups gnomAD compares: African/African-American, 0.033%; no homozygotes.

Submission:

GeneDx
Classification: Uncertain significance. Last evaluated: 2024-05-09. Review status: criteria provided, single submitter. Criteria: GeneDx Variant Classification Process June 2021. Collection method: clinical testing. Allele origin: germline. Affected: yes.
Comment: Located in a region that tolerates variation and lacks pathogenic variants; Has not been previously published as pathogenic or benign to our knowledge